The following is an entry in ClinVar:

NM_001127208.3(TET2):c.4687T>C (p.Ser1563Pro)

Genes: TET2 (tet methylcytosine dioxygenase 2; plus strand), TET2-AS1 (TET2 antisense RNA 1; minus strand). Cytogenetic location: 4q24.
Variant type: single nucleotide variant.
Coding change: c.4687T>C on transcript NM_001127208.3 (MANE Select); coding-DNA position 4687, T replaced by C.
Protein change: p.Ser1563Pro; replaces serine 1563 with proline.
Molecular consequence: missense variant.
Genome position (GRCh38, 1-based): chr4:105,275,197, T>C. VCF-style: chr4-105275197-T-C. GRCh37 (hg19) VCF-style: chr4-106196354-T-C.
Other names: short protein forms S1563P.
Identifiers: ClinVar variation 2797619 (VCV002797619.3), dbSNP rs2476744583, ClinGen allele CA357813171.
Genomic context (GRCh38, chr4:105,275,197, plus strand): 5'-AGACCCCAGCAGCAGCAGCCACATCACCCTCAGACAGAGTCTGTCAACTCTTATTCTGCT[T>C]CTGGATCCACCAATCCATACATGAGACGGCCCAATCCAGTTAGTCCTTATCCAAACTCTT-3'
Protein context (NP_001120680.1, residues 1553-1573): QTESVNSYSA[Ser1563Pro]GSTNPYMRRP

ClinVar aggregate classification (germline): Uncertain significance (1 of 4 stars; one submission).

Allele frequency attached by ClinVar (database versions not stated): gnomAD exomes below 0.00001.
gnomAD v4.1: 2 of 1,552,314 alleles (0.00013%); highest among the groups gnomAD compares: Non-Finnish European, 0.000087%; no homozygotes.

Submission:

Labcorp Genetics (formerly Invitae), Labcorp
Classification: Uncertain significance. Last evaluated: 2023-06-09. Review status: criteria provided, single submitter. Criteria: Invitae Variant Classification Sherloc (09022015). Collection method: clinical testing. Allele origin: germline.
Comment: This sequence change replaces serine, which is neutral and polar, with proline, which is neutral and non-polar, at codon 1563 of the TET2 protein (p.Ser1563Pro). This variant is not present in population databases (gnomAD no frequency). In summary, the available evidence is currently insufficient to determine the role of this variant in disease. Therefore, it has been classified as a Variant of Uncertain Significance. An algorithm developed to predict the effect of missense changes on protein structure and function (PolyPhen-2) suggests that this variant is likely to be tolerated. This variant has not been reported in the literature in individuals affected with TET2-related conditions.